The following is an entry in ClinVar:

NM_014679.5(CEP57):c.781A>G (p.Lys261Glu)

Gene: CEP57 (centrosomal protein 57; plus strand). Cytogenetic location: 11q21.
Variant type: single nucleotide variant.
Coding change: c.781A>G on transcript NM_014679.5 (MANE Select); coding-DNA position 781, A replaced by G.
Protein change: p.Lys261Glu; replaces lysine 261 with glutamic acid.
Molecular consequence: missense variant.
Genome position (GRCh38, 1-based): chr11:95,821,952, A>G. VCF-style: chr11-95821952-A-G. GRCh37 (hg19) VCF-style: chr11-95555116-A-G.
Other names: c.754A>G, p.Lys252Glu (NM_001243776.2); c.781A>G, p.Lys261Glu (NM_001243777.2); c.700A>G, p.Lys234Glu (NM_001363604.2); c.781A>G (NM_014679.4); short protein forms K252E, K261E, K234E.
Identifiers: ClinVar variation 2750214 (VCV002750214.4), dbSNP rs2496284610, ClinGen allele CA382405315.

ClinVar aggregate classification (germline): Uncertain significance. Review status: criteria provided, multiple submitters, no conflicts (2 of 4 stars). 2 submissions from 2 submitters: Uncertain significance (2). Last evaluated 2025-07-17.

Conditions:
Inborn genetic diseases. Identifiers: MedGen C0950123, MeSH D030342.
Mosaic variegated aneuploidy syndrome 2 (MVA2). Identifiers: Orphanet 1052, MedGen C3279843, MONDO:0013582, OMIM 614114.

Submissions (2):

Labcorp Genetics (formerly Invitae), Labcorp
Classification: Uncertain significance for Mosaic variegated aneuploidy syndrome 2. Last evaluated: 2025-07-17. Review status: criteria provided, single submitter. Criteria: Invitae Variant Classification Sherloc (09022015). Collection method: clinical testing. Allele origin: germline.
Comment: This sequence change replaces lysine, which is basic and polar, with glutamic acid, which is acidic and polar, at codon 261 of the CEP57 protein (p.Lys261Glu). This variant is not present in population databases (gnomAD no frequency). This variant has not been reported in the literature in individuals affected with CEP57-related conditions. ClinVar contains an entry for this variant (Variation ID: 2750214). Invitae Evidence Modeling of protein sequence and biophysical properties (such as structural, functional, and spatial information, amino acid conservation, physicochemical variation, residue mobility, and thermodynamic stability) indicates that this missense variant is not expected to disrupt CEP57 protein function with a negative predictive value of 80%. In summary, the available evidence is currently insufficient to determine the role of this variant in disease. Therefore, it has been classified as a Variant of Uncertain Significance.

Ambry Genetics
Classification: Uncertain significance for Inborn genetic diseases. Last evaluated: 2025-06-06. Review status: criteria provided, single submitter. Criteria: Ambry Variant Classification Scheme 2023. Collection method: clinical testing. Allele origin: germline.
Comment: The p.K261E variant (also known as c.781A>G), located in coding exon 7 of the CEP57 gene, results from an A to G substitution at nucleotide position 781. The lysine at codon 261 is replaced by glutamic acid, an amino acid with similar properties. This amino acid position is conserved. In addition, the in silico prediction for this alteration is inconclusive. Based on the available evidence, the clinical significance of this variant remains unclear.